The following is an entry in ClinVar:

ClinVar aggregate classification (germline): Uncertain significance (1 of 4 stars; one submission).

Conditions:
Breast-ovarian cancer, familial, susceptibility to, 1 (BROVCA1). Also called: OVARIAN CANCER, SUSCEPTIBILITY TO; BRCA1 Hereditary Breast and Ovarian Cancer. Identifiers: Orphanet 145, MedGen C2676676, MONDO:0011450, OMIM 604370. Disease mechanism: loss of function.

Submission:

Dasa
Classification: Uncertain significance for Breast-ovarian cancer, familial, susceptibility to, 1. Last evaluated: 2025-03-10. Review status: criteria provided, single submitter. Criteria: DASA Assertion Criteria. Collection method: clinical testing. Allele origin: germline.
Comment: NM_007294.4(BRCA1):c.4210C>A (p.Leu1404Met) is a missense variant that results in the substitution of leucine with methionine. This variant is absent from population databases. Computational prediction algorithms are consistent with a benign effect. The currently available literature and clinical evidence are not sufficient to establish a definitive association between this variant and the reported condition. Therefore, this variant is classified as a variant of uncertain significance.

NM_007294.4(BRCA1):c.4210C>A (p.Leu1404Met)

Gene: BRCA1 (BRCA1 DNA repair associated; minus strand). Cytogenetic location: 17q21.31.
Variant type: single nucleotide variant.
Coding change: c.4210C>A on transcript NM_007294.4 (MANE Select); coding-DNA position 4210, C replaced by A.
Protein change: p.Leu1404Met; replaces leucine 1404 with methionine.
Molecular consequence: missense variant.
Genome position (GRCh38, 1-based): chr17:43,082,551, G>T on the plus strand (C>A on the coding strand, the complement: BRCA1 is on the minus strand). VCF-style: chr17-43082551-G-T. GRCh37 (hg19) VCF-style: chr17-41234568-G-T.
Other names: c.784C>A, p.Leu262Met (NM_001408418.1, NM_001408419.1, NM_001408420.1 and 2 more transcripts); c.781C>A, p.Leu261Met (NM_001408421.1, NM_001408424.1, NM_001408431.1); c.778C>A, p.Leu260Met (NM_001408425.1, NM_001408426.1, NM_001408437.1 and 8 more transcripts); c.775C>A, p.Leu259Met (NM_001408441.1, NM_001408442.1, NM_001408443.1 and 10 more transcripts); c.760C>A, p.Leu254Met (NM_001408457.1, NM_001408458.1, NM_001408459.1 and 8 more transcripts); c.757C>A, p.Leu253Met (NM_001408462.1, NM_001408463.1, NM_001408464.1 and 5 more transcripts); c.691C>A, p.Leu231Met (NM_001408478.1, NM_001408479.1, NM_001408480.1 and 6 more transcripts); c.688C>A, p.Leu230Met (NM_001408489.1, NM_001408513.1, NM_001408490.1 and 3 more transcripts); and 51 more; short protein forms L1108M, L1235M, L1276M, L1277M, L1291M, L1292M, L1293M, L1314M.
Identifiers: ClinVar variation 4883311 (VCV004883311.2).